The following is an entry in ClinVar:

NM_000760.4(CSF3R):c.353G>A (p.Arg118His)

Gene: CSF3R (colony stimulating factor 3 receptor; minus strand). Cytogenetic location: 1p34.3.
Variant type: single nucleotide variant.
Coding change: c.353G>A on transcript NM_000760.4 (MANE Select); coding-DNA position 353, G replaced by A.
Protein change: p.Arg118His; replaces arginine 118 with histidine.
Molecular consequence: missense variant.
Genome position (GRCh38, 1-based): chr1:36,475,385, C>T on the plus strand (G>A on the coding strand, the complement: CSF3R is on the minus strand). VCF-style: chr1-36475385-C-T. GRCh37 (hg19) VCF-style: chr1-36940986-C-T.
Other names: c.353G>A, p.Arg118His (LRG_144t1, NM_156039.3, NM_172313.3); short protein forms R118H.
Identifiers: ClinVar variation 476297 (VCV000476297.8), dbSNP rs923298829, ClinGen allele CA20751661.

ClinVar aggregate classification (germline): Uncertain significance (1 of 4 stars; one submission).

Conditions:
Autosomal recessive severe congenital neutropenia due to CSF3R deficiency. Also called: Neutropenia, severe congenital, 7, autosomal recessive. Identifiers: Orphanet 420702, MedGen C4310764, MONDO:0014865, OMIM 617014.

Allele frequency attached by ClinVar (database versions not stated): gnomAD exomes 0.00001 and 0.00002; gnomAD 0.00005 and 0.00006; TOPMed 0.00005.
gnomAD v4.1: 30 of 1,613,696 alleles (0.0019%); highest among the groups gnomAD compares: South Asian, 0.0088%; no homozygotes.

Submission:

Labcorp Genetics (formerly Invitae), Labcorp
Classification: Uncertain significance for Autosomal recessive severe congenital neutropenia due to CSF3R deficiency. Last evaluated: 2025-06-16. Review status: criteria provided, single submitter. Criteria: Invitae Variant Classification Sherloc (09022015). Collection method: clinical testing. Allele origin: germline.
Comment: This sequence change replaces arginine, which is basic and polar, with histidine, which is basic and polar, at codon 118 of the CSF3R protein (p.Arg118His). This variant is present in population databases (no rsID available, gnomAD 0.006%). This variant has not been reported in the literature in individuals affected with CSF3R-related conditions. ClinVar contains an entry for this variant (Variation ID: 476297). Invitae Evidence Modeling of protein sequence and biophysical properties (such as structural, functional, and spatial information, amino acid conservation, physicochemical variation, residue mobility, and thermodynamic stability) indicates that this missense variant is not expected to disrupt CSF3R protein function with a negative predictive value of 80%. In summary, the available evidence is currently insufficient to determine the role of this variant in disease. Therefore, it has been classified as a Variant of Uncertain Significance.